The following is an entry in ClinVar:

NM_001007228.2(SPOP):c.22C>T (p.Pro8Ser)

Gene: SPOP (speckle type BTB/POZ protein; minus strand). Cytogenetic location: 17q21.33.
Variant type: single nucleotide variant.
Coding change: c.22C>T on transcript NM_001007228.2 (MANE Select); coding-DNA position 22, C replaced by T.
Protein change: p.Pro8Ser; replaces proline 8 with serine.
Molecular consequence: missense variant.
Genome position (GRCh38, 1-based): chr17:49,622,789, G>A on the plus strand (C>T on the coding strand, the complement: SPOP is on the minus strand). VCF-style: chr17-49622789-G-A. GRCh37 (hg19) VCF-style: chr17-47700151-G-A.
Other names: c.22C>T, p.Pro8Ser (NM_001007226.1, NM_001007227.1, NM_001007229.1 and 5 more transcripts); short protein forms P8S.
Identifiers: ClinVar variation 3391662 (VCV003391662.1).

ClinVar aggregate classification (germline): Uncertain significance (1 of 4 stars; one submission).

Submission:

GeneDx
Classification: Uncertain significance. Last evaluated: 2024-06-18. Review status: criteria provided, single submitter. Criteria: GeneDx Variant Classification Process June 2021. Collection method: clinical testing. Allele origin: germline. Affected: yes.
Comment: In silico analysis supports that this missense variant has a deleterious effect on protein structure/function; Not observed at significant frequency in large population cohorts (gnomAD); Has not been previously published as pathogenic or benign to our knowledge